The following is an entry in ClinVar:

NM_177559.3(CSNK2A1):c.179C>T (p.Thr60Ile)

Gene: CSNK2A1 (casein kinase 2 alpha 1; minus strand). Cytogenetic location: 20p13.
Variant type: single nucleotide variant.
Coding change: c.179C>T on transcript NM_177559.3 (MANE Select); coding-DNA position 179, C replaced by T.
Protein change: p.Thr60Ile; replaces threonine 60 with isoleucine.
Molecular consequence: missense variant. On other transcripts: 5 prime UTR variant (1).
Genome position (GRCh38, 1-based): chr20:505,152, G>A on the plus strand (C>T on the coding strand, the complement: CSNK2A1 is on the minus strand). VCF-style: chr20-505152-G-A. GRCh37 (hg19) VCF-style: chr20-485796-G-A.
Other names: c.179C>T, p.Thr60Ile (NM_001362770.2, NM_001362771.2, NM_001895.4); c.-230C>T (NM_177560.3); short protein forms T60I.
Identifiers: ClinVar variation 4532590 (VCV004532590.2).

ClinVar aggregate classification (germline): Uncertain significance (1 of 4 stars; one submission).

Submission:

GeneDx
Classification: Uncertain significance. Last evaluated: 2026-09-07. Review status: criteria provided, single submitter. Criteria: GeneDx Variant Classification Process June 2021. Collection method: clinical testing. Allele origin: germline.
Comment: Not observed at significant frequency in large population cohorts (gnomAD); In silico analysis suggests that this missense variant does not alter protein structure/function; Has not been previously published as pathogenic or benign to our knowledge